The following is an entry in ClinVar:

NM_001267550.2(TTN):c.77779A>C (p.Ile25927Leu)

Genes: TTN (titin; minus strand), TTN-AS1 (TTN antisense RNA 1; plus strand). Cytogenetic location: 2q31.2.
Variant type: single nucleotide variant.
Coding change: c.77779A>C on transcript NM_001267550.2 (MANE Select); coding-DNA position 77779, A replaced by C.
Protein change: p.Ile25927Leu; replaces isoleucine 25927 with leucine.
Molecular consequence: missense variant.
Genome position (GRCh38, 1-based): chr2:178,568,353, T>G on the plus strand (A>C on the coding strand, the complement: TTN is on the minus strand). VCF-style: chr2-178568353-T-G. GRCh37 (hg19) VCF-style: chr2-179433080-T-G.
Other names: c.72856A>C, p.Ile24286Leu (NM_001256850.1); c.50584A>C, p.Ile16862Leu (NM_003319.4); c.70075A>C, p.Ile23359Leu (NM_133378.4); c.50959A>C, p.Ile16987Leu (NM_133432.3); c.51160A>C, p.Ile17054Leu (NM_133437.4); c.77779A>C (NM_001267550.1); short protein forms I16862L, I16987L, I17054L, I23359L, I24286L, I25927L.
Identifiers: ClinVar variation 1163811 (VCV001163811.11), dbSNP rs780196850, ClinGen allele CA1989714.

ClinVar aggregate classification (germline): Uncertain significance. Review status: criteria provided, multiple submitters, no conflicts (2 of 4 stars). 5 submissions from 5 submitters: Uncertain significance (5). Last evaluated 2025-04-16.

Conditions:
Myopathy, myofibrillar, 9, with early respiratory failure (MFM9). Also called: EDSTROM MYOPATHY; MYOPATHY, PROXIMAL, WITH EARLY RESPIRATORY MUSCLE INVOLVEMENT; Hereditary myopathy with early respiratory failure; Myopathy, distal, with early respiratory failure, autosomal dominant. Identifiers: Orphanet 178464, Orphanet 34521, MedGen C1863599, MONDO:0011362, OMIM 603689.
Hypertrophic cardiomyopathy 9. Also called: Familial hypertrophic cardiomyopathy 9. Identifiers: MedGen C1861065, MONDO:0013412, OMIM 613765.
Dilated cardiomyopathy 1G (CMD1G). Identifiers: Orphanet 154, MedGen C1858763, MONDO:0011400, OMIM 604145.
Tibial muscular dystrophy (TMD). Also called: Udd Distal Myopathy – Tibial Muscular Dystrophy; UDD MYOPATHY; Tibial muscular dystrophy, tardive. Identifiers: Orphanet 609, MedGen C1838244, MONDO:0010870, OMIM 600334.
Early-onset myopathy with fatal cardiomyopathy (CMYO5). Also called: Salih Myopathy; CONGENITAL MYOPATHY 5 WITH CARDIOMYOPATHY. Identifiers: Orphanet 289377, MedGen C2673677, MONDO:0012714, OMIM 611705. Disease mechanism: loss of function.
Autosomal recessive limb-girdle muscular dystrophy type 2J (LGMDR10). Also called: Limb-girdle muscular dystrophy, type 2J; MUSCULAR DYSTROPHY, LIMB-GIRDLE, AUTOSOMAL RECESSIVE 10. Identifiers: Orphanet 140922, MedGen C1837342, MONDO:0012127, OMIM 608807.

gnomAD v4.1: 73 of 1,613,292 alleles (0.0045%); highest among the groups gnomAD compares: Non-Finnish European, 0.0051%; no homozygotes.

Submissions (5):

ARUP Laboratories, Molecular Genetics and Genomics, ARUP Laboratories
Classification: Uncertain significance. Last evaluated: 2025-04-16. Review status: criteria provided, single submitter. Criteria: ARUP Molecular Germline Variant Investigation Process 2024. Collection method: clinical testing. Allele origin: germline.
Comment: The TTN c.77779A>C; p.Ile25927Leu variant (rs780196850, ClinVar Variation ID: 1163811) is reported in the literature in an individual affected with dilated cardiomyopathy, although without supporting evidence of causality (Mazzarotto 2020). This variant is found in the non-Finnish European population with an allele frequency of 0.004% (5/127,972 alleles) in the Genome Aggregation Database (v2.1.1). Computational analyses predict that this variant is neutral (REVEL: 0.094). However, given the lack of clinical and functional data, the significance of this variant is uncertain at this time. References: Mazzarotto F et al. Reevaluating the Genetic Contribution of Monogenic Dilated Cardiomyopathy. Circulation. 2020 Feb 4;141(5):387-398. PMID: 31983221.

GeneDx
Classification: Uncertain significance. Last evaluated: 2024-06-17. Review status: criteria provided, single submitter. Criteria: GeneDx Variant Classification Process June 2021. Collection method: clinical testing. Allele origin: germline. Affected: yes.
Comment: Identified in a patient with DCM in published literature (PMID: 31983221); Not observed at significant frequency in large population cohorts (gnomAD); Missense variant in a gene in which most reported pathogenic variants are truncating/loss of function; This variant is associated with the following publications: (PMID: 31983221)

Fulgent Genetics
Classification: Uncertain significance for Tibial muscular dystrophy; Myopathy, myofibrillar, 9, with early respiratory failure; Dilated cardiomyopathy 1G; Autosomal recessive limb-girdle muscular dystrophy type 2J; Early-onset myopathy with fatal cardiomyopathy; Hypertrophic cardiomyopathy 9. Last evaluated: 2021-09-10. Review status: criteria provided, single submitter. Criteria: ACMG Guidelines, 2015. Collection method: clinical testing. Allele origin: unknown.

Mayo Clinic Laboratories, Mayo Clinic
Classification: Uncertain significance. Last evaluated: 2020-08-13. Review status: criteria provided, single submitter. Criteria: ACMG Guidelines, 2015. Collection method: clinical testing. Allele origin: germline. Observed: 1 variant allele.

Revvity Omics, Revvity
Classification: Uncertain significance. Last evaluated: 2019-10-14. Review status: criteria provided, single submitter. Criteria: ACMG Guidelines, 2015. Collection method: clinical testing. Allele origin: germline.